The following is an entry in ClinVar:

NM_016169.4(SUFU):c.317+3G>A

Gene: SUFU (SUFU negative regulator of hedgehog signaling; plus strand). Cytogenetic location: 10q24.32.
Variant type: single nucleotide variant.
Coding change: c.317+3G>A on transcript NM_016169.4 (MANE Select); 3 bases into the intron after coding-DNA position 317, G replaced by A.
Molecular consequence: intron variant.
Genome position (GRCh38, 1-based): chr10:102,509,306, G>A. VCF-style: chr10-102509306-G-A. GRCh37 (hg19) VCF-style: chr10-104269063-G-A.
Other names: c.317+3G>A (NM_001178133.2).
Identifiers: ClinVar variation 3057314 (VCV003057314.2), dbSNP rs2135621016, ClinGen allele CA2722598076.

ClinVar aggregate classification (germline): Likely benign (0 of 4 stars; one submission).

Conditions:
SUFU-related disorder. Also called: SUFU-related disorders; SUFU-related condition.

Submission:

PreventionGenetics, part of Exact Sciences
Classification: Likely benign for SUFU-related condition. Last evaluated: 2019-03-21. Review status: no assertion criteria provided. Collection method: clinical testing. Allele origin: germline.
Comment: This variant is classified as likely benign based on ACMG/AMP sequence variant interpretation guidelines (Richards et al. 2015 PMID: 25741868, with internal and published modifications).